The following is an entry in ClinVar:

ClinVar aggregate classification (germline): Uncertain significance (1 of 4 stars; one submission).

Conditions:
Hereditary cancer-predisposing syndrome. Also called: Neoplastic Syndromes, Hereditary; Tumor predisposition; Hereditary Cancer Syndrome; Hereditary neoplastic syndrome. Identifiers: Orphanet 140162, MedGen C0027672, MeSH D009386, MONDO:0015356.

Submission:

Ambry Genetics
Classification: Uncertain significance for Hereditary cancer-predisposing syndrome. Last evaluated: 2024-03-14. Review status: criteria provided, single submitter. Criteria: Ambry Variant Classification Scheme 2023. Collection method: clinical testing. Allele origin: germline.
Comment: The p.H511Y variant (also known as c.1531C>T), located in coding exon 9 of the DICER1 gene, results from a C to T substitution at nucleotide position 1531. The histidine at codon 511 is replaced by tyrosine, an amino acid with similar properties. This amino acid position is highly conserved in available vertebrate species. In addition, the in silico prediction for this alteration is inconclusive. Since supporting evidence is limited at this time, the clinical significance of this alteration remains unclear.

NM_177438.3(DICER1):c.1531C>T (p.His511Tyr)

Gene: DICER1 (dicer 1, ribonuclease III; minus strand). Cytogenetic location: 14q32.13.
Variant type: single nucleotide variant.
Coding change: c.1531C>T on transcript NM_177438.3 (MANE Select); coding-DNA position 1531, C replaced by T.
Protein change: p.His511Tyr; replaces histidine 511 with tyrosine.
Molecular consequence: missense variant.
Genome position (GRCh38, 1-based): chr14:95,116,674, G>A on the plus strand (C>T on the coding strand, the complement: DICER1 is on the minus strand). VCF-style: chr14-95116674-G-A. GRCh37 (hg19) VCF-style: chr14-95583011-G-A.
Other names: c.1531C>T, p.His511Tyr (NM_001195573.1, NM_001271282.3, NM_001291628.2 and 1 more transcripts); short protein forms H511Y.
Identifiers: ClinVar variation 819470 (VCV000819470.4), dbSNP rs1595411702, ClinGen allele CA390885180.
Genomic context (GRCh38, chr14:95,116,674, plus strand): 5'-ATTTTGGTATATCAACACCCTCTTCTACAATACTTGTTGCAATAAGCAGGTTGGTCTCAT[G>A]TGCTCGAAATTTCCTAAGTACCTGAAAAAAAAAATCCACCAAGAAAAGCACTTCTAAGAA-3'
Protein context (NP_803187.1, residues 501-521): QEEVLRKFRA[His511Tyr]ETNLLIATSI